The following is an entry in ClinVar:

ClinVar aggregate classification (germline): Benign/Likely benign. Review status: criteria provided, multiple submitters, no conflicts (2 of 4 stars). 14 submissions from 14 submitters: Benign (1); Likely benign (12). 1 of the submissions does not count toward it. Last evaluated 2026-01-27.

Conditions:
Breast and/or ovarian cancer. Identifiers: MedGen CN221562.
Hereditary cancer-predisposing syndrome. Also called: Hereditary Cancer Syndrome; Tumor predisposition; Neoplastic Syndromes, Hereditary; Hereditary neoplastic syndrome. Identifiers: Orphanet 140162, MedGen C0027672, MeSH D009386, MONDO:0015356.
CHEK2-related cancer predisposition (TPDS4). Also called: TUMOR PREDISPOSITION SYNDROME 4; CANCER PREDISPOSITION SYNDROME, CHEK2-RELATED; CHEK2-related cancer susceptibility. Identifiers: Orphanet 524, MedGen C5882668, MONDO:0700271, OMIM 609265.
Familial cancer of breast. Also called: hereditary breast carcinoma; BREAST CANCER, FAMILIAL; Hereditary breast cancer. Identifiers: Orphanet 227535, MedGen C0346153, MONDO:0016419, OMIM 114480. Disease mechanism: loss of function.

Allele frequency attached by ClinVar (database versions not stated): gnomAD 0.00004 and 0.00005; TOPMed 0.00006; gnomAD exomes 0.00008 and 0.00013; ExAC 0.00013; ESP Exome Variant Server 0.00015; 1000 Genomes Project 0.00020; 1000 Genomes Project 30x 0.00031.
gnomAD v4.1: 117 of 1,613,406 alleles (0.0073%); highest among the groups gnomAD compares: South Asian, 0.033%; no homozygotes.

Submissions (14):

Labcorp Genetics (formerly Invitae), Labcorp
Classification: Likely benign for Familial cancer of breast. Last evaluated: 2026-01-27. Review status: criteria provided, single submitter. Criteria: Invitae Variant Classification Sherloc (09022015). Collection method: clinical testing. Allele origin: germline.

Center for Genomic Medicine, Rigshospitalet, Copenhagen University Hospital
Classification: Likely benign. Last evaluated: 2025-12-29. Review status: criteria provided, single submitter. Criteria: ACMG Guidelines, 2015. Collection method: clinical testing. Allele origin: germline.

Quest Diagnostics Nichols Institute San Juan Capistrano
Classification: Likely benign. Last evaluated: 2025-07-02. Review status: criteria provided, single submitter. Criteria: Quest Diagnostics criteria. Collection method: clinical testing. Allele origin: unknown.

Blueprint Genetics
Classification: Likely benign. Last evaluated: 2024-02-16. Review status: criteria provided, single submitter. Criteria: ACMG Guidelines, 2015. Collection method: clinical testing. Allele origin: germline.

Institute for Biomarker Research, Medical Diagnostic Laboratories, L.L.C.
Classification: Likely benign for Hereditary cancer-predisposing syndrome. Last evaluated: 2023-10-10. Review status: criteria provided, single submitter. Criteria: ACMG Guidelines, 2015. Collection method: clinical testing. Allele origin: germline.

Myriad Genetics, Inc.
Classification: Benign for Familial cancer of breast. Last evaluated: 2023-03-08. Review status: criteria provided, single submitter. Criteria: Myriad Autosomal Dominant, Autosomal Recessive and X-Linked Classification Criteria (2023). Collection method: clinical testing. Allele origin: unknown.
Comment: This variant is considered benign. This variant is a silent/synonymous amino acid change and it is not expected to impact splicing.

CHEO Genetics Diagnostic Laboratory, Children's Hospital of Eastern Ontario
Classification: Likely benign for Breast and/or ovarian cancer. Last evaluated: 2023-01-06. Review status: criteria provided, single submitter. Criteria: ACMG Guidelines, 2015. Collection method: clinical testing. Allele origin: germline.

Sema4
Classification: Likely benign for Hereditary cancer-predisposing syndrome. Last evaluated: 2021-11-15. Review status: criteria provided, single submitter. Criteria: Sema4 Curation Guidelines. Collection method: curation. Allele origin: germline.

Department of Pathology and Laboratory Medicine, Sinai Health System
Classification: Likely benign for CHEK2-related cancer predisposition. Last evaluated: 2020-12-07. Review status: criteria provided, single submitter. Criteria: ACMG Guidelines, 2015. Collection method: clinical testing. Allele origin: germline. Affected: yes.

Women's Health and Genetics/Laboratory Corporation of America, LabCorp
Classification: Likely benign. Last evaluated: 2018-10-23. Review status: criteria provided, single submitter. Criteria: LabCorp Variant Classification Summary - May 2015. Collection method: clinical testing. Allele origin: germline.
Comment: Variant summary: CHEK2 c.15G>A alters a non-conserved nucleotide resulting in a synonymous change. 4/5 computational tools predict no significant impact on normal splicing. However, these predictions have yet to be confirmed by functional studies. The variant allele was found at a frequency of 0.00013 in 240078 control chromosomes, predominantly within the South Asian subpopulation at a frequency of 0.00046 in the gnomAD database. The observed variant frequency within South Asian control individuals is approximately 1.5-fold above the estimated maximal expected allele frequency for a pathogenic variant in CHEK2 causing Hereditary Breast and Ovarian Cancer phenotype (0.00031), suggesting that the variant is a benign polymorphism found primarily in populations of South Asian origin. To our knowledge, no occurrence of c.15G>A in individuals affected with Hereditary Breast and Ovarian Cancer and no experimental evidence demonstrating its impact on protein function have been reported. Six clinical diagnostic laboratories have submitted clinical-significance assessments for this variant to ClinVar after 2014 without evidence for independent evaluation and most classified the variant as likely benign. Based on the evidence outlined above, the variant was classified as likely benign.

GeneDx
Classification: Likely benign. Last evaluated: 2018-05-10. Review status: criteria provided, single submitter. Criteria: GeneDx Variant Classification Process June 2021. Collection method: clinical testing. Allele origin: germline. Affected: yes.

Color Diagnostics, LLC DBA Color Health
Classification: Likely benign for Hereditary cancer-predisposing syndrome. Last evaluated: 2016-07-11. Review status: criteria provided, single submitter. Criteria: ACMG Guidelines, 2015. Collection method: clinical testing. Allele origin: germline.

Ambry Genetics
Classification: Likely benign for Hereditary cancer-predisposing syndrome. Last evaluated: 2015-08-06. Review status: criteria provided, single submitter. Criteria: Ambry Variant Classification Scheme 2023. Collection method: clinical testing. Allele origin: germline.

Counsyl
Classification: Likely benign for Familial cancer of breast. Last evaluated: 2016-04-06. Review status: no assertion criteria provided. Collection method: clinical testing. Allele origin: unknown. Not counted in ClinVar's aggregate classification.

Literature cited by the submitters: PubMed 38509102 (cited by Quest Diagnostics Nichols Institute San Juan Capistrano).

NM_007194.4(CHEK2):c.15G>A (p.Ser5=)

Gene: CHEK2 (checkpoint kinase 2; minus strand). Cytogenetic location: 22q12.1.
Variant type: single nucleotide variant.
Coding change: c.15G>A on transcript NM_007194.4 (MANE Select); coding-DNA position 15, G replaced by A.
Protein change: p.Ser5=; no amino-acid change (serine 5 retained).
Molecular consequence: synonymous variant.
Genome position (GRCh38, 1-based): chr22:28,734,707, C>T on the plus strand (G>A on the coding strand, the complement: CHEK2 is on the minus strand). VCF-style: chr22-28734707-C-T. GRCh37 (hg19) VCF-style: chr22-29130695-C-T.
Other names: c.15G>A, p.Ser5= (NM_001005735.3, NM_001349956.3, NM_145862.3); c.-763G>A (NM_001257387.3).
Identifiers: ClinVar variation 220067 (VCV000220067.33), dbSNP rs145183886, ClinGen allele CA348569.